The following is an entry in ClinVar:

NM_001378120.1(MBD5):c.1669T>A (p.Leu557Met)

Gene: MBD5 (methyl-CpG binding domain protein 5; plus strand). Cytogenetic location: 2q23.1.
Variant type: single nucleotide variant.
Coding change: c.1669T>A on transcript NM_001378120.1 (MANE Select); coding-DNA position 1669, T replaced by A.
Protein change: p.Leu557Met; replaces leucine 557 with methionine.
Molecular consequence: missense variant.
Genome position (GRCh38, 1-based): chr2:148,469,612, T>A. VCF-style: chr2-148469612-T-A. GRCh37 (hg19) VCF-style: chr2-149227181-T-A.
Other names: c.1669T>A, p.Leu557Met (NM_018328.5); short protein forms L557M.
Identifiers: ClinVar variation 1383094 (VCV001383094.8), dbSNP rs2105635656, ClinGen allele CA348720174.

ClinVar aggregate classification (germline): Uncertain significance (1 of 4 stars; one submission).

Conditions:
Intellectual developmental disorder, autosomal dominant 1. Also called: Intellectual disability, autosomal dominant 1; MBD5 Haploinsufficiency. Identifiers: Orphanet 228402, MedGen C1969562, MONDO:0007974, OMIM 156200.

Submission:

Labcorp Genetics (formerly Invitae), Labcorp
Classification: Uncertain significance for Intellectual developmental disorder, autosomal dominant 1. Last evaluated: 2021-07-24. Review status: criteria provided, single submitter. Criteria: Invitae Variant Classification Sherloc (09022015). Collection method: clinical testing. Allele origin: germline.
Comment: In summary, the available evidence is currently insufficient to determine the role of this variant in disease. Therefore, it has been classified as a Variant of Uncertain Significance. Algorithms developed to predict the effect of missense changes on protein structure and function are either unavailable or do not agree on the potential impact of this missense change (SIFT: "Deleterious"; PolyPhen-2: "Possibly Damaging"; Align-GVGD: "Class C0"). This variant has not been reported in the literature in individuals affected with MBD5-related conditions. This variant is not present in population databases (ExAC no frequency). This sequence change replaces leucine with methionine at codon 557 of the MBD5 protein (p.Leu557Met). The leucine residue is highly conserved and there is a small physicochemical difference between leucine and methionine.